The following is an entry in ClinVar:

ClinVar aggregate classification (germline): Uncertain significance (1 of 4 stars; one submission).

Allele frequency attached by ClinVar (database versions not stated): gnomAD exomes below 0.00001 and 0.00001.
gnomAD v4.1: 4 of 1,550,682 alleles (0.00026%); highest among the groups gnomAD compares: Non-Finnish European, 0.00026%; no homozygotes.

Submission:

GeneDx
Classification: Uncertain significance. Last evaluated: 2022-02-10. Review status: criteria provided, single submitter. Criteria: GeneDx Variant Classification Process June 2021. Collection method: clinical testing. Allele origin: germline. Affected: yes.
Comment: Nonsense variant predicted to result in protein truncation or nonsense mediated decay in a gene for which loss-of-function is not a known mechanism of disease; Has not been previously published as pathogenic or benign to our knowledge

NM_001100913.3(PACS2):c.1291C>T (p.Arg431Ter)

Gene: PACS2 (phosphofurin acidic cluster sorting protein 2; plus strand). Cytogenetic location: 14q32.33.
Variant type: single nucleotide variant.
Coding change: c.1291C>T on transcript NM_001100913.3 (MANE Select); coding-DNA position 1291, C replaced by T.
Protein change: p.Arg431Ter; replaces arginine 431 with a stop codon.
Molecular consequence: nonsense.
Genome position (GRCh38, 1-based): chr14:105,381,936, C>T. VCF-style: chr14-105381936-C-T. GRCh37 (hg19) VCF-style: chr14-105848273-C-T.
Other names: c.1066C>T, p.Arg356Ter (NM_001243127.3); c.1291C>T, p.Arg431Ter (NM_015197.4); short protein forms R356*, R431*.
Identifiers: ClinVar variation 1700756 (VCV001700756.2), dbSNP rs1555412137, ClinGen allele CA391181506.